The following is an entry in ClinVar:

NM_000535.7(PMS2):c.1629C>T (p.Asp543=)

Gene: PMS2 (PMS1 homolog 2, mismatch repair system component; minus strand). Cytogenetic location: 7p22.1.
Variant type: single nucleotide variant.
Coding change: c.1629C>T on transcript NM_000535.7 (MANE Select); coding-DNA position 1629, C replaced by T.
Protein change: p.Asp543=; no amino-acid change (aspartic acid 543 retained).
Molecular consequence: synonymous variant. On other transcripts: non-coding transcript variant (1).
Genome position (GRCh38, 1-based): chr7:5,987,136, G>A on the plus strand (C>T on the coding strand, the complement: PMS2 is on the minus strand). VCF-style: chr7-5987136-G-A. GRCh37 (hg19) VCF-style: chr7-6026767-G-A.
Other names: c.1224C>T, p.Asp408= (NM_001322003.2, NM_001322004.2, NM_001322005.2 and 1 more transcripts); c.1473C>T, p.Asp491= (NM_001322006.2); c.1311C>T, p.Asp437= (NM_001322007.2, NM_001322008.2); c.1068C>T, p.Asp356= (NM_001322010.2); c.696C>T, p.Asp232= (NM_001322011.2, NM_001322012.2); c.1056C>T, p.Asp352= (NM_001322013.2); c.1629C>T, p.Asp543= (NM_001322014.2); c.1320C>T, p.Asp440= (NM_001322015.2).
Identifiers: ClinVar variation 184497 (VCV000184497.22), dbSNP rs111673299, ClinGen allele CA009947.
Genomic context (GRCh38, chr7:5,987,136, plus strand): 5'-TCGAAATTTACATCCGGTATCTTCCTGGTTTGAATGGCAGTCCACATCTGAAAAAGAGTC[G>A]TCAGTTTTAGGCGCTTTCTCCTGAGAGTCCACATGTTCCTGCGAGCCCCTGTCCCCTGGG-3'
Protein context (NP_000526.2, residues 533-553): VDSQEKAPKT[Asp543=]DSFSDVDCHS

ClinVar aggregate classification (germline): Benign/Likely benign. Review status: criteria provided, multiple submitters, no conflicts (2 of 4 stars). 8 submissions from 8 submitters: Benign (2); Likely benign (5). 1 of the submissions does not count toward it. Last evaluated 2026-02-04.

Conditions:
Hereditary nonpolyposis colorectal neoplasms. Identifiers: MedGen C0009405, MeSH D003123.
Hereditary cancer-predisposing syndrome. Also called: Hereditary neoplastic syndrome; Neoplastic Syndromes, Hereditary; Tumor predisposition; Hereditary Cancer Syndrome. Identifiers: Orphanet 140162, MedGen C0027672, MeSH D009386, MONDO:0015356.
Lynch syndrome. Identifiers: Orphanet 144, MedGen C4552100, MONDO:0005835. Disease mechanism: loss of function.
Lynch syndrome 4 (LYNCH4). Also called: Hereditary non-polyposis colorectal cancer, type 4; Colorectal cancer, hereditary nonpolyposis, type 4. Identifiers: Orphanet 144, MedGen C1838333, MONDO:0013699, OMIM 614337. Disease mechanism: loss of function.

Allele frequency attached by ClinVar (database versions not stated): gnomAD exomes 0.00001 and 0.00002; TOPMed 0.00001; ExAC 0.00002.
gnomAD v4.1: 25 of 1,613,794 alleles (0.0015%); highest among the groups gnomAD compares: East Asian, 0.0067%; no homozygotes.

Submissions (8):

Labcorp Genetics (formerly Invitae), Labcorp
Classification: Likely benign for Hereditary nonpolyposis colorectal neoplasms. Last evaluated: 2026-02-04. Review status: criteria provided, single submitter. Criteria: Invitae Variant Classification Sherloc (09022015). Collection method: clinical testing. Allele origin: germline.

Myriad Genetics, Inc.
Classification: Benign for Lynch syndrome 4. Last evaluated: 2025-01-31. Review status: criteria provided, single submitter. Criteria: Myriad Autosomal Dominant, Autosomal Recessive and X-Linked Classification Criteria (2023). Collection method: clinical testing. Allele origin: unknown.
Comment: This variant is considered benign. This variant is a silent/synonymous amino acid change and it is not expected to impact splicing.

All of Us Research Program, National Institutes of Health
Classification: Likely benign for Lynch syndrome. Last evaluated: 2023-12-18. Review status: criteria provided, single submitter. Criteria: ACMG Guidelines, 2015. Collection method: clinical testing. Allele origin: germline. Inheritance: Autosomal dominant inheritance. Observed: 3 variant alleles, 3 heterozygotes.
Comment: This study involves interpretation of variants in research participants for the purpose of population health screening. Participant phenotype was not available at the time of variant classification. Additional details can be found in publication PMID: 35346344, PMCID: PMC8962531

Women's Health and Genetics/Laboratory Corporation of America, LabCorp
Classification: Likely benign. Last evaluated: 2020-06-13. Review status: criteria provided, single submitter. Criteria: LabCorp Variant Classification Summary - May 2015. Collection method: clinical testing. Allele origin: germline.

Color Diagnostics, LLC DBA Color Health
Classification: Likely benign for Hereditary cancer-predisposing syndrome. Last evaluated: 2017-11-20. Review status: criteria provided, single submitter. Criteria: ACMG Guidelines, 2015. Collection method: clinical testing. Allele origin: germline.

GeneDx
Classification: Benign. Last evaluated: 2015-08-14. Review status: criteria provided, single submitter. Criteria: GeneDx Variant Classification (06012015). Collection method: clinical testing. Allele origin: germline. Affected: yes.
Comment: This variant is considered likely benign or benign based on one or more of the following criteria: it is a conservative change, it occurs at a poorly conserved position in the protein, it is predicted to be benign by multiple in silico algorithms, and/or has population frequency not consistent with disease.

Ambry Genetics
Classification: Likely benign for Hereditary cancer-predisposing syndrome. Last evaluated: 2015-01-20. Review status: criteria provided, single submitter. Criteria: Ambry Variant Classification Scheme 2023. Collection method: clinical testing. Allele origin: germline.

Department of Pathology and Laboratory Medicine, Sinai Health System
Classification: Likely benign. Review status: no assertion criteria provided. Collection method: clinical testing. Allele origin: unknown. Affected: yes. Observed: 1 variant allele. Study: The Canadian Open Genetics Repository (COGR). Not counted in ClinVar's aggregate classification.
Comment: The PMS2 p.Asp543= variant was not identified in the literature. The variant was identified in dbSNP (ID: rs111673299) as "With Likely benign allele ", and in ClinVar (classified as benign by GeneDx; as likely benign by Ambry Genetics and Invitae). The variant was identified in control databases in 5 of 245568 chromosomes at a frequency of 0.00002 (Genome Aggregation Database Feb 27, 2017). The variant was observed in the following populations: European in 2 of 111302 chromosomes (freq: 0.00002), East Asian in 2 of 17244 chromosomes (freq: 0.0001), Finnish in 1 of 22300 chromosomes (freq: 0.00005), while the variant was not observed in the African, Other, Latino, Ashkenazi Jewish, and South Asian populations. The p.Asp543= variant is not expected to have clinical significance because it does not result in a change of amino acid and is not located in a known consensus splice site. In addition, in silico or computational prediction software programs (SpliceSiteFinder, MaxEntScan, NNSPLICE, GeneSplicer,) do not predict a difference in splicing. In summary, based on the above information the clinical significance of this variant cannot be determined with certainty at this time although we would lean towards a more benign role for this variant. This variant is classified as likely benign.